The following is an entry in ClinVar:

ClinVar aggregate classification (germline): Uncertain significance (1 of 4 stars; one submission).

Submission:

Labcorp Genetics (formerly Invitae), Labcorp
Classification: Uncertain significance. Last evaluated: 2022-06-20. Review status: criteria provided, single submitter. Criteria: Invitae Variant Classification Sherloc (09022015). Collection method: clinical testing. Allele origin: germline.
Comment: In summary, the available evidence is currently insufficient to determine the role of this variant in disease. Therefore, it has been classified as a Variant of Uncertain Significance. Algorithms developed to predict the effect of missense changes on protein structure and function are either unavailable or do not agree on the potential impact of this missense change (SIFT: "Tolerated"; PolyPhen-2: "Probably Damaging"; Align-GVGD: "Class C15"). This variant has not been reported in the literature in individuals affected with DDX58-related conditions. This variant is not present in population databases (gnomAD no frequency). This sequence change replaces glutamic acid, which is acidic and polar, with lysine, which is basic and polar, at codon 716 of the DDX58 protein (p.Glu716Lys).

NM_014314.4(RIGI):c.2146G>A (p.Glu716Lys)

Gene: RIGI (RNA sensor RIG-I; minus strand). Cytogenetic location: 9p21.1.
Variant type: single nucleotide variant.
Coding change: c.2146G>A on transcript NM_014314.4 (MANE Select); coding-DNA position 2146, G replaced by A.
Protein change: p.Glu716Lys; replaces glutamic acid 716 with lysine.
Molecular consequence: missense variant. On other transcripts: intron variant (1).
Genome position (GRCh38, 1-based): chr9:32,467,801, C>T on the plus strand (G>A on the coding strand, the complement: RIGI is on the minus strand). VCF-style: chr9-32467801-C-T. GRCh37 (hg19) VCF-style: chr9-32467799-C-T.
Other names: c.2140G>A, p.Glu714Lys (NM_001385907.1); c.1705G>A, p.Glu569Lys (NM_001385910.1); c.1537G>A, p.Glu513Lys (NM_001385912.1); c.2131G>A, p.Glu711Lys (NM_001385913.1); c.1702G>A, p.Glu568Lys (NM_001385914.1); c.2015-1360G>A (NM_001385909.1); short protein forms E716K, E569K, E711K, E513K, E714K, E568K.
Identifiers: ClinVar variation 2008752 (VCV002008752.4), dbSNP rs2489295775, ClinGen allele CA373146051.
Genomic context (GRCh38, chr9:32,467,801, plus strand): 5'-TGGCCTCAAAGCTTCTCTTACCTCTGGTTTGGATCATTTTGATGACATTGCCCACATACT[C>T]ATAAAGGATGACAAGATTGCACTGTGCAATGTCAATGCCTTCATCAGCAACTGAGGTGGC-3'
Protein context (NP_055129.2, residues 706-726): IAQCNLVILY[Glu716Lys]YVGNVIKMIQ